The following is an entry in ClinVar:

NM_001845.6(COL4A1):c.1672G>A (p.Ala558Thr)

Gene: COL4A1 (collagen type IV alpha 1 chain; minus strand). Cytogenetic location: 13q34.
Variant type: single nucleotide variant.
Coding change: c.1672G>A on transcript NM_001845.6 (MANE Select); coding-DNA position 1672, G replaced by A.
Protein change: p.Ala558Thr; replaces alanine 558 with threonine.
Molecular consequence: missense variant.
Genome position (GRCh38, 1-based): chr13:110,187,194, C>T on the plus strand (G>A on the coding strand, the complement: COL4A1 is on the minus strand). VCF-style: chr13-110187194-C-T. GRCh37 (hg19) VCF-style: chr13-110839541-C-T.
Other names: c.1672G>A (NM_001845.4); short protein forms A558T.
Identifiers: ClinVar variation 1411872 (VCV001411872.8), dbSNP rs1878441079, ClinGen allele CA388722960.

ClinVar aggregate classification (germline): Uncertain significance. Review status: criteria provided, multiple submitters, no conflicts (2 of 4 stars). 3 submissions from 3 submitters: Uncertain significance (3). Last evaluated 2025-11-02.

Conditions:
Brain small vessel disease 1 with or without ocular anomalies (BSVD1). Also called: GOULD SYNDROME 1; PORENCEPHALY, TYPE 1, AUTOSOMAL DOMINANT; BRAIN SMALL VESSEL DISEASE WITH HEMORRHAGE; Brain small vessel disease with or without ocular anomalies. Identifiers: Orphanet 2940, Orphanet 36383, Orphanet 99810, MedGen C4755307, MONDO:0008289, OMIM 175780.
Microangiopathy and leukoencephalopathy, pontine, autosomal dominant. Also called: DEMENTIA, HEREDITARY MULTI-INFARCT, SWEDISH TYPE; Pontine autosomal dominant microangiopathy with leukoencephalopathy. Identifiers: Orphanet 477749, MedGen C5231411, MONDO:0032814, OMIM 618564.
Hemorrhage, intracerebral, susceptibility to (ICH). Also called: Stroke, hemorrhagic, susceptibility to. Identifiers: MedGen C3281105, MONDO:0100533, OMIM 614519.
Autosomal dominant familial hematuria-retinal arteriolar tortuosity-contractures syndrome. Also called: Angiopathy, hereditary, with nephropathy, aneurysms, and muscle cramps; Hereditary Angiopathy with Nephropathy, Aneurysms, and Muscle Cramps (HANAC) Syndrome. Identifiers: Orphanet 73229, MedGen C2673195, MONDO:0012726, OMIM 611773.
Retinal arterial tortuosity. Also called: RETINAL HEMORRHAGE WITH VASCULAR TORTUOSITY; Retinal arteries, tortuosity of. Identifiers: Orphanet 75326, MedGen C0423401, MONDO:0008373, OMIM 180000, HP:0000631.
Inborn genetic diseases. Identifiers: MedGen C0950123, MeSH D030342.

Allele frequency attached by ClinVar (database versions not stated): TOPMed below 0.00001; gnomAD 0.00001; gnomAD exomes 0.00001.
gnomAD v4.1: 17 of 1,613,894 alleles (0.0011%); highest among the groups gnomAD compares: Non-Finnish European, 0.0014%; no homozygotes.

Submissions (3):

Ambry Genetics
Classification: Uncertain significance for Inborn genetic diseases. Last evaluated: 2025-11-02. Review status: criteria provided, single submitter. Criteria: Ambry Variant Classification Scheme 2023. Collection method: clinical testing. Allele origin: germline.

Labcorp Genetics (formerly Invitae), Labcorp
Classification: Uncertain significance. Last evaluated: 2025-04-17. Review status: criteria provided, single submitter. Criteria: Invitae Variant Classification Sherloc (09022015). Collection method: clinical testing. Allele origin: germline.
Comment: This sequence change replaces alanine, which is neutral and non-polar, with threonine, which is neutral and polar, at codon 558 of the COL4A1 protein (p.Ala558Thr). This variant is not present in population databases (gnomAD no frequency). This variant has not been reported in the literature in individuals affected with COL4A1-related conditions. ClinVar contains an entry for this variant (Variation ID: 1411872). Invitae Evidence Modeling of protein sequence and biophysical properties (such as structural, functional, and spatial information, amino acid conservation, physicochemical variation, residue mobility, and thermodynamic stability) indicates that this missense variant is not expected to disrupt COL4A1 protein function with a negative predictive value of 95%. In summary, the available evidence is currently insufficient to determine the role of this variant in disease. Therefore, it has been classified as a Variant of Uncertain Significance.

Fulgent Genetics
Classification: Uncertain significance for Brain small vessel disease 1 with or without ocular anomalies; Retinal arterial tortuosity; Autosomal dominant familial hematuria-retinal arteriolar tortuosity-contractures syndrome; Hemorrhage, intracerebral, susceptibility to; Microangiopathy and leukoencephalopathy, pontine, autosomal dominant. Last evaluated: 2022-04-08. Review status: criteria provided, single submitter. Criteria: ACMG Guidelines, 2015. Collection method: clinical testing. Allele origin: unknown.